The following is an entry in ClinVar:

NM_014339.7(IL17RA):c.1954C>A (p.Pro652Thr)

Gene: IL17RA (interleukin 17 receptor A; plus strand). Cytogenetic location: 22q11.1.
Variant type: single nucleotide variant.
Coding change: c.1954C>A on transcript NM_014339.7 (MANE Select); coding-DNA position 1954, C replaced by A.
Protein change: p.Pro652Thr; replaces proline 652 with threonine.
Molecular consequence: missense variant.
Genome position (GRCh38, 1-based): chr22:17,109,173, C>A. VCF-style: chr22-17109173-C-A. GRCh37 (hg19) VCF-style: chr22-17590063-C-A.
Other names: c.1852C>A, p.Pro618Thr (NM_001289905.2); short protein forms P618T, P652T.
Identifiers: ClinVar variation 1430907 (VCV001430907.8), dbSNP rs1169306314, ClinGen allele CA410219694.

ClinVar aggregate classification (germline): Uncertain significance (1 of 4 stars; one submission).

Conditions:
Immunodeficiency 51 (IMD51). Also called: CANDIDIASIS, FAMILIAL, 5. Identifiers: Orphanet 1334, MedGen C4310803, MONDO:0013500, OMIM 613953.

Allele frequency attached by ClinVar (database versions not stated): gnomAD exomes below 0.00001 and 0.00001.
gnomAD v4.1: 6 of 1,528,466 alleles (0.00039%); highest among the groups gnomAD compares: African/African-American, 0.0027%; no homozygotes.

Submission:

Labcorp Genetics (formerly Invitae), Labcorp
Classification: Uncertain significance for Immunodeficiency 51. Last evaluated: 2022-08-09. Review status: criteria provided, single submitter. Criteria: Invitae Variant Classification Sherloc (09022015). Collection method: clinical testing. Allele origin: germline.
Comment: In summary, the available evidence is currently insufficient to determine the role of this variant in disease. Therefore, it has been classified as a Variant of Uncertain Significance. Algorithms developed to predict the effect of missense changes on protein structure and function are either unavailable or do not agree on the potential impact of this missense change (SIFT: "Deleterious"; PolyPhen-2: "Benign"; Align-GVGD: "Class C35"). ClinVar contains an entry for this variant (Variation ID: 1430907). This variant has not been reported in the literature in individuals affected with IL17RA-related conditions. The frequency data for this variant in the population databases is considered unreliable, as metrics indicate poor data quality at this position in the gnomAD database. This sequence change replaces proline, which is neutral and non-polar, with threonine, which is neutral and polar, at codon 652 of the IL17RA protein (p.Pro652Thr).